The following is an entry in ClinVar:

NM_002185.5(IL7R):c.412G>A (p.Val138Ile)

Gene: IL7R (interleukin 7 receptor; plus strand). Cytogenetic location: 5p13.2.
Variant type: single nucleotide variant.
Coding change: c.412G>A on transcript NM_002185.5 (MANE Select); coding-DNA position 412, G replaced by A.
Protein change: p.Val138Ile; replaces valine 138 with isoleucine.
Molecular consequence: missense variant. On other transcripts: non-coding transcript variant (1).
Genome position (GRCh38, 1-based): chr5:35,871,088, G>A. VCF-style: chr5-35871088-G-A. GRCh37 (hg19) VCF-style: chr5-35871190-G-A.
Other names: I138V; NM_002185.5(IL7R):c.412G>A; short protein forms V138I.
Identifiers: ClinVar variation 14840 (VCV000014840.34), dbSNP rs1494555, ClinGen allele CA124393.

ClinVar aggregate classification (germline): Benign. Review status: reviewed by expert panel (3 of 4 stars). 17 submissions from 17 submitters: Benign (1). 16 of the submissions do not count toward it. Last evaluated 2024-01-23.

Conditions:
Immunodeficiency 104. Also called: Severe Combined Immune Deficiency, Autosomal Recessive, TCell -Negative, B Cell-Positive, NK Cell-Positive, IL7R-Related; IMMUNODEFICIENCY 104, SEVERE COMBINED; Severe combined immunodeficiency, autosomal recessive, T cell-negative, B cell-positive, NK cell-positive; SCID, AUTOSOMAL RECESSIVE, T CELL-NEGATIVE, B CELL-POSITIVE, NK CELL-POSITIVE. Identifiers: MedGen C5676890, MONDO:0012163, OMIM 608971.

Allele frequency attached by ClinVar (database versions not stated): gnomAD exomes 0.63947; ExAC 0.65193; 1000 Genomes Project 0.66693; 1000 Genomes Project 30x 0.67349; TOPMed 0.71143; gnomAD 0.71344 and 0.72524.
gnomAD v4.1: 1,081,731 of 1,610,224 alleles (67%); highest among the groups gnomAD compares: African/African-American, 88%; 367,924 homozygotes.

Submissions (17):

ClinGen Severe Combined Immunodeficiency Variant Curation Expert Panel, ClinGen
Classification: Benign for Immunodeficiency 104. Last evaluated: 2024-01-23. Review status: reviewed by expert panel. Criteria: ClinGen SCID ACMG Specifications IL7R V1.0.0. Collection method: curation. Allele origin: germline. Inheritance: Autosomal recessive inheritance.
Comment: NM_002185.5(IL7R):c.412G>A is a missense variant predicted to cause substitution of Valine by Isoleucine at amino acid 138 (p.Val138Ile). The filtering allele frequency (the lower threshold of the 95% CI of 65661/74940 alleles) of the c.412G>A variant in IL7R is 0.8743 for African/African American chromosomes by gnomAD v.4, which is higher than the ClinGen SCID VCEP threshold (>0.00566) for BA1 and therefore meets this criterion (BA1). Additionally, 367924 homozygous have been described. In summary, this variant meets the criteria to be classified as Benign for autosomal recessive SCID, based on the ACMG/AMP criteria applied, as specified by the ClinGen SCID VCEP. Criteria applied: BA1 (VCEP specifications version 1).

Labcorp Genetics (formerly Invitae), Labcorp
Classification: Benign for Immunodeficiency 104. Last evaluated: 2026-02-04. Review status: criteria provided, single submitter. Criteria: Invitae Variant Classification Sherloc (09022015). Collection method: clinical testing. Allele origin: germline. Not counted in ClinVar's aggregate classification.

Blueprint Genetics
Classification: Likely benign. Last evaluated: 2024-11-26. Review status: criteria provided, single submitter. Criteria: ACMG Guidelines, 2015. Collection method: clinical testing. Allele origin: germline. Not counted in ClinVar's aggregate classification.

Unidad de Genómica Garrahan, Hospital de Pediatría Garrahan
Classification: Benign. Last evaluated: 2024-01-24. Review status: criteria provided, single submitter. Criteria: ACMG Guidelines, 2015. Collection method: clinical testing. Allele origin: germline. Affected: no. Observed: 79 variant alleles. Not counted in ClinVar's aggregate classification.
Comment: This variant is classified as Benign based on local population frequency. This variant was detected in 83% of patients studied by a panel of primary immunodeficiencies. Number of patients: 79. Only high quality variants are reported.

Genome-Nilou Lab
Classification: Benign for Immunodeficiency 104. Last evaluated: 2021-08-19. Review status: criteria provided, single submitter. Criteria: ACMG Guidelines, 2015. Collection method: clinical testing. Allele origin: germline. Affected: no. Not counted in ClinVar's aggregate classification.

Mendelics
Classification: Benign for Immunodeficiency 104. Last evaluated: 2019-05-28. Review status: criteria provided, single submitter. Criteria: Mendelics Assertion Criteria 2017. Collection method: clinical testing. Allele origin: unknown. Not counted in ClinVar's aggregate classification.

Mayo Clinic Laboratories, Mayo Clinic
Classification: Benign. Last evaluated: 2018-03-21. Review status: criteria provided, single submitter. Criteria: ACMG Guidelines, 2015. Collection method: clinical testing. Allele origin: germline. Observed: 180 variant alleles. Not counted in ClinVar's aggregate classification.

Illumina Laboratory Services, Illumina
Classification: Benign for Immunodeficiency 104. Last evaluated: 2018-01-13. Review status: criteria provided, single submitter. Criteria: ICSL Variant Classification Criteria 13 December 2019. Collection method: clinical testing. Allele origin: germline. Not counted in ClinVar's aggregate classification.
Comment: This variant was observed in the ICSL laboratory as part of a predisposition screen in an ostensibly healthy population. It had not been previously curated by ICSL or reported in the Human Gene Mutation Database (HGMD: prior to June 1st, 2018), and was therefore a candidate for classification through an automated scoring system. Utilizing variant allele frequency, disease prevalence and penetrance estimates, and inheritance mode, an automated score was calculated to assess if this variant is too frequent to cause the disease. Based on the score and internal cut-off values, a variant classified as benign is not then subjected to further curation. The score for this variant resulted in a classification of benign for this disease.

Laboratory for Molecular Medicine, Mass General Brigham Personalized Medicine
Classification: Benign. Last evaluated: 2016-03-28. Review status: criteria provided, single submitter. Criteria: LMM Criteria. Collection method: clinical testing. Allele origin: germline. Not counted in ClinVar's aggregate classification.
Comment: Variant identified in a genome or exome case(s) and assessed due to predicted null impact of the variant or pathogenic assertions in the literature or databases. Disclaimer: This variant has not undergone full assessment. The following are preliminary notes: 1 paper published in 1998 claimed variant was pathogenic for SCID based on identification in 1 proband.

GeneDx
Classification: Benign. Last evaluated: 2015-03-03. Review status: criteria provided, single submitter. Criteria: GeneDx Variant Classification Process June 2021. Collection method: clinical testing. Allele origin: germline. Affected: yes. Not counted in ClinVar's aggregate classification.
Comment: This variant is associated with the following publications: (PMID: 20952689, 21326139, 18687755)

Breakthrough Genomics
Classification: Benign. Review status: criteria provided, single submitter. Criteria: ACMG Guidelines, 2015. Collection method: not provided. Allele origin: germline. Inheritance: Autosomal recessive inheritance. Affected: yes. Not counted in ClinVar's aggregate classification.

Pathology and Clinical Laboratory Medicine, King Fahad Medical City
Classification: Benign. Review status: criteria provided, single submitter. Criteria: ACMG Guidelines, 2015. Collection method: clinical testing. Allele origin: germline. Affected: no. Observed: 145 variant alleles. Not counted in ClinVar's aggregate classification.

PreventionGenetics, part of Exact Sciences
Classification: Benign. Review status: criteria provided, single submitter. Criteria: ACMG Guidelines, 2015. Collection method: clinical testing. Allele origin: germline. Not counted in ClinVar's aggregate classification.

ITMI
No classification provided. Condition: AllHighlyPenetrant. Last evaluated: 2013-09-19. Review status: no classification provided. Collection method: reference population. Allele origin: germline. Not counted in ClinVar's aggregate classification.
Comment: Please see associated publication for description of ethnicities

OMIM
Classification: Uncertain significance for RECLASSIFIED - VARIANT OF UNKNOWN SIGNIFICANCE. Last evaluated: 1998-12-01. Review status: no assertion criteria provided. Collection method: literature only. Allele origin: germline. Not counted in ClinVar's aggregate classification.

Diagnostic Laboratory, Department of Genetics, University Medical Center Groningen
Classification: Benign. Review status: no assertion criteria provided. Collection method: clinical testing. Allele origin: germline. Affected: yes. Study: VKGL Data-share Consensus. Not counted in ClinVar's aggregate classification.

Genome Diagnostics Laboratory, University Medical Center Utrecht
Classification: Benign. Review status: no assertion criteria provided. Collection method: clinical testing. Allele origin: germline. Affected: yes. Study: VKGL Data-share Consensus. Not counted in ClinVar's aggregate classification.

Literature cited by the submitters: PubMed 24728327 (cited by ITMI); Hamosh, A. Personal Communication. 2018. Baltimore, Md. (cited by OMIM); PubMed 9843216 (cited by OMIM); PubMed 10899029 (cited by OMIM).